The following is an entry in ClinVar:

NM_032856.5(WDR73):c.934C>T (p.Arg312Trp)

Gene: WDR73 (WD repeat domain 73; minus strand). Cytogenetic location: 15q25.2.
Variant type: single nucleotide variant.
Coding change: c.934C>T on transcript NM_032856.5 (MANE Select); coding-DNA position 934, C replaced by T.
Protein change: p.Arg312Trp; replaces arginine 312 with tryptophan.
Molecular consequence: missense variant. On other transcripts: non-coding transcript variant (4).
Genome position (GRCh38, 1-based): chr15:84,643,673, G>A on the plus strand (C>T on the coding strand, the complement: WDR73 is on the minus strand). VCF-style: chr15-84643673-G-A. GRCh37 (hg19) VCF-style: chr15-85186904-G-A.
Other names: short protein forms R312W.
Identifiers: ClinVar variation 2065324 (VCV002065324.3), dbSNP rs758913043, ClinGen allele CA7707189.
Genomic context (GRCh38, chr15:84,643,673, plus strand): 5'-AGATGTGACCTCTGTGAGTGAAGAGAGGTTCTACTTGGCTCCGTGTTCCATCTTGGCTCC[G>A]TGTTCCATCCCAAGATGTGGCATCATAGACCTGGACTGTACCATCAAAACCTGAGAATAC-3'
Protein context (NP_116245.2, residues 302-322): VYDATSWDGT[Arg312Trp]SQDGTRSQVE

ClinVar aggregate classification (germline): Uncertain significance. Review status: criteria provided, multiple submitters, no conflicts (2 of 4 stars). 3 submissions from 3 submitters: Uncertain significance (3). Last evaluated 2024-03-21.

Conditions:
Galloway-Mowat syndrome 1 (GAMOS1). Identifiers: Orphanet 2065, Orphanet 83472, MedGen C4551772, MONDO:0033005, OMIM 251300.
Inborn genetic diseases. Identifiers: MedGen C0950123, MeSH D030342.

gnomAD v4.1: 282 of 1,398,292 alleles (0.02%); highest among the groups gnomAD compares: Admixed American, 0.047%; no homozygotes.

Submissions (3):

Fulgent Genetics
Classification: Uncertain significance for Galloway-Mowat syndrome 1. Last evaluated: 2024-03-21. Review status: criteria provided, single submitter. Criteria: ACMG Guidelines, 2015. Collection method: clinical testing. Allele origin: germline.

Ambry Genetics
Classification: Uncertain significance for Inborn genetic diseases. Last evaluated: 2022-11-17. Review status: criteria provided, single submitter. Criteria: Ambry Variant Classification Scheme 2023. Collection method: clinical testing. Allele origin: germline.

Labcorp Genetics (formerly Invitae), Labcorp
Classification: Uncertain significance. Last evaluated: 2022-07-07. Review status: criteria provided, single submitter. Criteria: Invitae Variant Classification Sherloc (09022015). Collection method: clinical testing. Allele origin: germline.
Comment: This sequence change replaces arginine, which is basic and polar, with tryptophan, which is neutral and slightly polar, at codon 312 of the WDR73 protein (p.Arg312Trp). This variant is present in population databases (rs758913043, gnomAD 0.03%). This variant has not been reported in the literature in individuals affected with WDR73-related conditions. Algorithms developed to predict the effect of missense changes on protein structure and function are either unavailable or do not agree on the potential impact of this missense change (SIFT: "Deleterious"; PolyPhen-2: "Not Available"; Align-GVGD: "Class C0"). In summary, the available evidence is currently insufficient to determine the role of this variant in disease. Therefore, it has been classified as a Variant of Uncertain Significance.